The following is an entry in ClinVar:

ClinVar aggregate classification (germline): Pathogenic. Review status: criteria provided, multiple submitters, no conflicts (2 of 4 stars). 4 submissions from 4 submitters: Pathogenic (3). 1 of the submissions does not count toward it. Last evaluated 2026-01-14.

Conditions:
Epidermolysis bullosa dystrophica. Also called: Dystrophic epidermolysis bullosa, Hallopeau-Siemens type (formerly); Dystrophic epidermolysis bullosa. Identifiers: Orphanet 303, MedGen C0079294, MONDO:0006543.
Recessive dystrophic epidermolysis bullosa (RDEB). Also called: DYSTROPHIC EPIDERMOLYSIS BULLOSA, AUTOSOMAL RECESSIVE; EPIDERMOLYSIS BULLOSA DYSTROPHICA, HALLOPEAU-SIEMENS TYPE; Recessive DEB (RDEB); EPIDERMOLYSIS BULLOSA DYSTROPHICA, GENERALIZED SEVERE, AUTOSOMAL RECESSIVE; Epidermolysis Bullosa Distrophica Autosomal Recessive (RDEB); epidermolysis bullosa dystrophica, autosomal recessive. Identifiers: Orphanet 79408, Orphanet 79409, MedGen C0079474, MONDO:0009179, OMIM 226600.

Allele frequency attached by ClinVar (database versions not stated): ExAC 0.00001; gnomAD exomes 0.00001.
gnomAD v4.1: 9 of 1,613,336 alleles (0.00056%); highest among the groups gnomAD compares: East Asian, 0.0022%; no homozygotes.

Submissions (4):

3billion
Classification: Pathogenic for Recessive dystrophic epidermolysis bullosa. Last evaluated: 2026-01-14. Review status: criteria provided, single submitter. Criteria: ACMG Guidelines, 2015. Collection method: clinical testing. Allele origin: germline. Affected: yes.
Comment: The variant is observed at an extremely low frequency in the gnomAD v4.1.0 dataset (total allele frequency: <0.001%). Predicted Consequence/Location: Stop-gained (nonsense): predicted to result in a loss or disruption of normal protein function through nonsense-mediated decay (NMD) or protein truncation. Multiple pathogenic variants are reported downstream of the variant. The variant has been reported to be associated with COL7A1-related disorder (ClinVar ID: VCV000420110 /PMID: 10367729). Therefore, this variant is classified as Pathogenic according to the recommendation of ACMG/AMP guideline.

Myriad Genetics, Inc.
Classification: Pathogenic for Recessive dystrophic epidermolysis bullosa. Last evaluated: 2025-07-24. Review status: criteria provided, single submitter. Criteria: Myriad Autosomal Dominant, Autosomal Recessive and X-Linked Classification Criteria (2023). Collection method: clinical testing. Allele origin: unknown.
Comment: NM_000094.3(COL7A1):c.3631C>T(Q1211*) is expected to be pathogenic in the context of dystrophic epidermolysis bullosa. This variant is predicted to lead to an abnormal or absent protein product due to the creation of a premature termination codon in COL7A1, a gene where loss-of-function variants are known to be pathogenic. Please note: this variant was assessed in the context of healthy population screening.

GeneDx
Classification: Pathogenic. Last evaluated: 2019-04-09. Review status: criteria provided, single submitter. Criteria: GeneDx Variant Classification Process June 2021. Collection method: clinical testing. Allele origin: germline. Affected: yes.
Comment: Nonsense variant predicted to result in protein truncation or nonsense mediated decay in a gene for which loss-of-function is a known mechanism of disease; This variant is associated with the following publications: (PMID: 24533879, 25525159, 10367729, 18578710, 16971478)

Natera, Inc.
Classification: Pathogenic for Dystrophic epidermolysis bullosa. Last evaluated: 2020-07-09. Review status: no assertion criteria provided. Collection method: clinical testing. Allele origin: germline. Not counted in ClinVar's aggregate classification.

Literature cited by the submitters: PubMed 10367729 (cited by 3billion).

NM_000094.4(COL7A1):c.3631C>T (p.Gln1211Ter)

Gene: COL7A1 (collagen type VII alpha 1 chain; minus strand). Cytogenetic location: 3p21.31.
Variant type: single nucleotide variant.
Coding change: c.3631C>T on transcript NM_000094.4 (MANE Select); coding-DNA position 3631, C replaced by T.
Protein change: p.Gln1211Ter; replaces glutamine 1211 with a stop codon.
Molecular consequence: nonsense.
Genome position (GRCh38, 1-based): chr3:48,586,166, G>A on the plus strand (C>T on the coding strand, the complement: COL7A1 is on the minus strand). VCF-style: chr3-48586166-G-A. GRCh37 (hg19) VCF-style: chr3-48623599-G-A.
Other names: short protein forms Q1211*.
Identifiers: ClinVar variation 420110 (VCV000420110.6), dbSNP rs747522386, ClinGen allele CA2380458.